The following is an entry in ClinVar:

NM_003002.4(SDHD):c.179A>C (p.Lys60Thr)

Gene: SDHD (succinate dehydrogenase complex subunit D; plus strand). Cytogenetic location: 11q23.1.
Variant type: single nucleotide variant.
Coding change: c.179A>C on transcript NM_003002.4 (MANE Select); coding-DNA position 179, A replaced by C.
Protein change: p.Lys60Thr; replaces lysine 60 with threonine.
Molecular consequence: missense variant. On other transcripts: non-coding transcript variant (1), intron variant (1).
Genome position (GRCh38, 1-based): chr11:112,088,876, A>C. VCF-style: chr11-112088876-A-C. GRCh37 (hg19) VCF-style: chr11-111959600-A-C.
Other names: c.62A>C, p.Lys21Thr (NM_001276504.2); c.179A>C, p.Lys60Thr (NM_001276506.2); c.169+903A>C (NM_001276503.2); short protein forms K21T, K60T.
Identifiers: ClinVar variation 2946446 (VCV002946446.3), dbSNP rs1224764636, ClinGen allele CA382617170.

ClinVar aggregate classification (germline): Uncertain significance (1 of 4 stars; one submission).

Conditions:
Cowden syndrome 3 (CWS3). Identifiers: Orphanet 201, MedGen CN166604, MONDO:0014045.
Pheochromocytoma. Also called: MAX-Related Hereditary Paraganglioma-Pheochromocytoma Syndrome. Identifiers: Orphanet 29072, MedGen C0031511, MONDO:0008233, OMIM 171300, HP:0002666.
Paragangliomas with sensorineural hearing loss. Identifiers: MedGen C1868633.
Carney-Stratakis syndrome. Also called: PARAGANGLIOMA AND GASTROINTESTINAL STROMAL TUMOR. Identifiers: Orphanet 97286, MedGen C1847319, MONDO:0011740, OMIM 606864.

Submission:

Labcorp Genetics (formerly Invitae), Labcorp
Classification: Uncertain significance for Carney-Stratakis syndrome; Paragangliomas with sensorineural hearing loss; Pheochromocytoma; Cowden syndrome 3. Last evaluated: 2023-04-09. Review status: criteria provided, single submitter. Criteria: Invitae Variant Classification Sherloc (09022015). Collection method: clinical testing. Allele origin: germline.
Comment: In summary, the available evidence is currently insufficient to determine the role of this variant in disease. Therefore, it has been classified as a Variant of Uncertain Significance. Advanced modeling of protein sequence and biophysical properties (such as structural, functional, and spatial information, amino acid conservation, physicochemical variation, residue mobility, and thermodynamic stability) has been performed at Invitae for this missense variant, however the output from this modeling did not meet the statistical confidence thresholds required to predict the impact of this variant on SDHD protein function. This variant has not been reported in the literature in individuals affected with SDHD-related conditions. This variant is not present in population databases (gnomAD no frequency). This sequence change replaces lysine, which is basic and polar, with threonine, which is neutral and polar, at codon 60 of the SDHD protein (p.Lys60Thr).